The following is an entry in ClinVar:

NM_001211.6(BUB1B):c.722C>T (p.Pro241Leu)

Gene: BUB1B (BUB1 mitotic checkpoint serine/threonine kinase B; plus strand). Cytogenetic location: 15q15.1.
Variant type: single nucleotide variant.
Coding change: c.722C>T on transcript NM_001211.6 (MANE Select); coding-DNA position 722, C replaced by T.
Protein change: p.Pro241Leu; replaces proline 241 with leucine.
Molecular consequence: missense variant.
Genome position (GRCh38, 1-based): chr15:40,183,854, C>T. VCF-style: chr15-40183854-C-T. GRCh37 (hg19) VCF-style: chr15-40476055-C-T.
Other names: short protein forms P241L.
Identifiers: ClinVar variation 4868022 (VCV004868022.1).
Genomic context (GRCh38, chr15:40,183,854, plus strand): 5'-TACCACAACGAAGCACACTAGCTGAACTAAAGAGCAAAGGGAAAAAGACAGCAAGAGCTC[C>T]AATCATCCGTGTAGGAGGTGCTCTCAAGGGTAAGTTTGTTAAACGTTATTTCGGAAAACT-3'
Protein context (NP_001202.5, residues 231-251): KSKGKKTARA[Pro241Leu]IIRVGGALKA

ClinVar aggregate classification (germline): Uncertain significance (1 of 4 stars; one submission).

Conditions:
Inborn genetic diseases. Identifiers: MedGen C0950123, MeSH D030342.

Submission:

Ambry Genetics
Classification: Uncertain significance for Inborn genetic diseases. Last evaluated: 2026-06-09. Review status: criteria provided, single submitter. Criteria: Ambry Variant Classification Scheme 2023. Collection method: clinical testing. Allele origin: germline.
Comment: The p.P241L variant (also known as c.722C>T), located in coding exon 6 of the BUB1B gene, results from a C to T substitution at nucleotide position 722. The proline at codon 241 is replaced by leucine, an amino acid with similar properties. This amino acid position is conserved. In addition, this alteration is predicted to be tolerated by in silico analysis. Based on the available evidence, the clinical significance of this variant remains unclear.